The following is an entry in ClinVar:

ClinVar aggregate classification (germline): Uncertain significance. Review status: criteria provided, multiple submitters, no conflicts (2 of 4 stars). 2 submissions from 2 submitters: Uncertain significance (2). Last evaluated 2026-04-15.

Conditions:
Hereditary cancer-predisposing syndrome. Also called: Tumor predisposition; Hereditary Cancer Syndrome; Neoplastic Syndromes, Hereditary; Hereditary neoplastic syndrome. Identifiers: Orphanet 140162, MedGen C0027672, MeSH D009386, MONDO:0015356.
Tuberous sclerosis 2 (TSC2). Identifiers: Orphanet 805, MedGen C1860707, MONDO:0013199, OMIM 613254.

Submissions (2):

Ambry Genetics
Classification: Uncertain significance for Hereditary cancer-predisposing syndrome. Last evaluated: 2026-04-15. Review status: criteria provided, single submitter. Criteria: Ambry Variant Classification Scheme 2023. Collection method: clinical testing. Allele origin: germline.
Comment: The p.E1301D variant (also known as c.3903G>T), located in coding exon 32 of the TSC2 gene, results from a G to T substitution at nucleotide position 3903. The glutamic acid at codon 1301 is replaced by aspartic acid, an amino acid with highly similar properties. This amino acid position is highly conserved in available vertebrate species. In addition, the in silico prediction for this alteration is inconclusive. Based on the available evidence, the clinical significance of this variant remains unclear.

Labcorp Genetics (formerly Invitae), Labcorp
Classification: Uncertain significance for Tuberous sclerosis 2. Last evaluated: 2024-08-29. Review status: criteria provided, single submitter. Criteria: Invitae Variant Classification Sherloc (09022015). Collection method: clinical testing. Allele origin: germline.
Comment: This sequence change replaces glutamic acid, which is acidic and polar, with aspartic acid, which is acidic and polar, at codon 1301 of the TSC2 protein (p.Glu1301Asp). This variant is not present in population databases (gnomAD no frequency). This variant has not been reported in the literature in individuals affected with TSC2-related conditions. ClinVar contains an entry for this variant (Variation ID: 576160). Invitae Evidence Modeling of protein sequence and biophysical properties (such as structural, functional, and spatial information, amino acid conservation, physicochemical variation, residue mobility, and thermodynamic stability) indicates that this missense variant is not expected to disrupt TSC2 protein function with a negative predictive value of 95%. In summary, the available evidence is currently insufficient to determine the role of this variant in disease. Therefore, it has been classified as a Variant of Uncertain Significance.

NM_000548.5(TSC2):c.3903G>T (p.Glu1301Asp)

Gene: TSC2 (TSC complex subunit 2; plus strand). Cytogenetic location: 16p13.3.
Variant type: single nucleotide variant.
Coding change: c.3903G>T on transcript NM_000548.5 (MANE Select); coding-DNA position 3903, G replaced by T.
Protein change: p.Glu1301Asp; replaces glutamic acid 1301 with aspartic acid.
Molecular consequence: missense variant.
Genome position (GRCh38, 1-based): chr16:2,083,714, G>T. VCF-style: chr16-2083714-G-T. GRCh37 (hg19) VCF-style: chr16-2133715-G-T.
Other names: c.3702G>T, p.Glu1234Asp (NM_001077183.3); c.3834G>T, p.Glu1278Asp (NM_001114382.3); c.3594G>T, p.Glu1198Asp (NM_001318827.2); c.3558G>T, p.Glu1186Asp (NM_001318829.2); c.3171G>T, p.Glu1057Asp (NM_001318831.2); c.3735G>T, p.Glu1245Asp (NM_001318832.2); c.3705G>T, p.Glu1235Asp (NM_001363528.2); c.3771G>T, p.Glu1257Asp (NM_001370404.1); and 1 more; short protein forms E1301D, E1057D, E1235D, E1258D, E1186D, E1198D, E1257D, E1278D.
Identifiers: ClinVar variation 576160 (VCV000576160.10), dbSNP rs1429956058, ClinGen allele CA394296864.
Genomic context (GRCh38, chr16:2,083,714, plus strand): 5'-GCCCAGCCCCACATCCAGCAGCCCCGTCTGTGTCCTCCCAGACTCCGCCGTGGTCATGGA[G>T]GAGGGAAGTCCGGGCGAGGTTCCTGTGCTGGTGGAGCCCCCAGGGTTGGAGGACGTTGAG-3'
Protein context (NP_000539.2, residues 1291-1311): VSWADSAVVM[Glu1301Asp]EGSPGEVPVL